The following is an entry in ClinVar:

ClinVar aggregate classification (germline): Uncertain significance (1 of 4 stars; one submission).

Submission:

GeneDx
Classification: Uncertain significance. Last evaluated: 2026-03-06. Review status: criteria provided, single submitter. Criteria: GeneDx Variant Classification Process June 2021. Collection method: clinical testing. Allele origin: germline.
Comment: Not observed at significant frequency in large population cohorts (gnomAD); In silico analysis suggests that this missense variant does not alter protein structure/function; Has not been previously published as pathogenic or benign to our knowledge

NM_003458.4(BSN):c.9621C>G (p.Ser3207Arg)

Gene: BSN (bassoon presynaptic cytomatrix protein; plus strand). Cytogenetic location: 3p21.31.
Variant type: single nucleotide variant.
Coding change: c.9621C>G on transcript NM_003458.4 (MANE Select); coding-DNA position 9621, C replaced by G.
Protein change: p.Ser3207Arg; replaces serine 3207 with arginine.
Molecular consequence: missense variant.
Genome position (GRCh38, 1-based): chr3:49,661,466, C>G. VCF-style: chr3-49661466-C-G. GRCh37 (hg19) VCF-style: chr3-49698899-C-G.
Other names: short protein forms S3207R.
Identifiers: ClinVar variation 5008705 (VCV005008705.1).